The following is an entry in ClinVar:

ClinVar aggregate classification (germline): Pathogenic/Likely pathogenic. Review status: criteria provided, multiple submitters, no conflicts (2 of 4 stars). 5 submissions from 5 submitters: Pathogenic (1); Likely pathogenic (4). Last evaluated 2025-12-22.

Conditions:
Cardiovascular phenotype. Identifiers: MedGen CN230736.
Primary familial hypertrophic cardiomyopathy (HCM). Identifiers: Orphanet 99739, MedGen C0949658, MeSH D024741, MONDO:0024573. Inheritance: Various modes of inheritance.
Hypertrophic cardiomyopathy. Also called: HYPERTROPHIC MYOCARDIOPATHY. Identifiers: Orphanet 217569, MedGen C0007194, MeSH D002312, MONDO:0005045, HP:0001639.

Submissions (5):

Labcorp Genetics (formerly Invitae), Labcorp
Classification: Likely pathogenic for Hypertrophic cardiomyopathy. Last evaluated: 2025-12-22. Review status: criteria provided, single submitter. Criteria: Invitae Variant Classification Sherloc (09022015). Collection method: clinical testing. Allele origin: germline.
Comment: This sequence change replaces glutamic acid, which is acidic and polar, with glycine, which is neutral and non-polar, at codon 848 of the MYH7 protein (p.Glu848Gly). This variant is not present in population databases (gnomAD no frequency). This missense change has been observed in individual(s) with hypertrophic cardiomyopathy (PMID: 25611685, 27161364, 27532257, 37652022; internal data). ClinVar contains an entry for this variant (Variation ID: 177758). Invitae Evidence Modeling of protein sequence and biophysical properties (such as structural, functional, and spatial information, amino acid conservation, physicochemical variation, residue mobility, and thermodynamic stability) indicates that this missense variant is expected to disrupt MYH7 protein function with a positive predictive value of 95%. Experimental studies have shown that this missense change affects MYH7 function (PMID: 30623132). In summary, the currently available evidence indicates that the variant is pathogenic, but additional data are needed to prove that conclusively. Therefore, this variant has been classified as Likely Pathogenic.

Ambry Genetics
Classification: Likely pathogenic for Cardiovascular phenotype. Last evaluated: 2024-10-23. Review status: criteria provided, single submitter. Criteria: Ambry Variant Classification Scheme 2023. Collection method: clinical testing. Allele origin: germline.
Comment: The p.E848G variant (also known as c.2543A>G), located in coding exon 20 of the MYH7 gene, results from an A to G substitution at nucleotide position 2543. The glutamic acid at codon 848 is replaced by glycine, an amino acid with similar properties. This alteration is located in the myosin head domain, which contains a statistically significant clustering of pathogenic missense variants (Homburger JR et al. Proc Natl Acad Sci U S A, 2016 06;113:6701-6; Walsh R et al. Genet Med, 2017 02;19:192-203; Ambry internal data). This variant was identified in one or more individuals with features consistent with hypertrophic cardiomyopathy (HCM), and segregated with disease in one family in which affected individuals first demonstrated systolic dysfunction and arrhythmias prior to myocardial hypertrophy (Alfares AA et al. Genet Med, 2015 Nov;17:880-8; Pioner JM et al. Stem Cell Reports, 2016 Jun;6:885-896; Loiben AM et al. Int J Mol Sci, 2023 Mar;24; Ambry internal data). This amino acid position is highly conserved in available vertebrate species. In addition, this alteration is predicted to be deleterious by in silico analysis. This variant is considered to be rare based on population cohorts in the Genome Aggregation Database (gnomAD). Based on the majority of available evidence to date, this variant is likely to be pathogenic.

GeneDx
Classification: Likely pathogenic. Last evaluated: 2020-06-22. Review status: criteria provided, single submitter. Criteria: GeneDx Variant Classification Process June 2021. Collection method: clinical testing. Allele origin: germline. Affected: yes.
Comment: Reported in ClinVar as pathogenic/likely pathogenic (ClinVar Variant ID# 177758; Landrum et al., 2016); Not observed in large population cohorts (Lek et al., 2016); Functional studies using stem cells suggest that this variant changes contractile properties leading to cardiomyopathy (Pioner et al., 2016; Yang et al., 2018); In silico analysis supports that this missense variant has a deleterious effect on protein structure/function; This variant is associated with the following publications: (PMID: 27532257, 27161364, 25611685, 28606303, 30623132)

Women's Health and Genetics/Laboratory Corporation of America, LabCorp
Classification: Pathogenic for Primary familial hypertrophic cardiomyopathy. Last evaluated: 2019-02-05. Review status: criteria provided, single submitter. Criteria: LabCorp Variant Classification Summary - May 2015. Collection method: clinical testing. Allele origin: germline.
Comment: Variant summary: MYH7 c.2543A>G (p.Glu848Gly) results in a non-conservative amino acid change located in the Myosin tail domain of the encoded protein sequence. Five of five in-silico tools predict a damaging effect of the variant on protein function. The variant was absent in 246248 control chromosomes (gnomAD). It is reported in the Atlas of Cardiac Genetic Variation database to occur in the region enriched for HCM mutations (residues 181-937) and is scored with a high etiological fraction (0.97) (in general, missense variants in MYH7 have an overall etiological fraction of 0.92). c.2543A>G has been reported in the literature in an individual affected with Hypertrophic Cardiomyopathy (Alfares_2015) and was shown to co-segregate with disease in a pedigree affected with familial cardiomyopathy (FCM) with adult-onset systolic dysfunction (Yang_2018). These data indicate that the variant may be associated with disease. Experimental evidence evaluating an impact on protein function report this variant to result in contractile dysfunction of myofibrils (Pioner_2016) by disruption of the myosin S2 and cMyBP-C C1C2 protein-protein interaction (Yang_2018; Pioner_2016) on measures of maximal isometric tension generation (Pioner_2016) and lack of growth in yeast-two hybrid assay (Yang_2018). Two ClinVar submissions from clinical diagnostic laboratories (evaluation after 2014) cite the variant as likely pathogenic. Based on the evidence outlined above, the variant was classified as pathogenic.

Laboratory for Molecular Medicine, Mass General Brigham Personalized Medicine
Classification: Likely pathogenic for Hypertrophic cardiomyopathy. Last evaluated: 2018-05-10. Review status: criteria provided, single submitter. Criteria: LMM Criteria. Collection method: clinical testing. Allele origin: germline. Observed: 5 variant alleles.
Comment: The p.Glu848Gly variant in MYH7 has been identified in at least 6 individuals wi th HCM and segregated with disease in one affected family member (Alfares 2015, GeneDx pers. comm., LMM data). This variant was absent from large population stu dies. In vitro functional studies provide some evidence that the p.Glu848Gly va riant may impact protein function (Pioner 2016); however, these types of assays may not accurately represent biological function. Computational prediction tools and conservation analysis suggest that the p.Glu848Gly variant may impact the p rotein, though this information is not predictive enough to determine pathogenic ity. Of note, this variant lies in the head region of the protein. Missense vari ants in this region have been reported and statistically indicated to be more li kely to cause disease (Walsh 2016). In summary, although additional studies are required to fully establish its clinical significance, the p.Glu848Gly variant i s likely pathogenic. ACMG/AMP criteria applied: PM1, PM2, P23_Moderate, PS4_Mode rate, PP3.

Literature cited by the submitters: PubMed 25611685 (cited by 4 submitters); PubMed 27161364 (cited by 3 submitters); PubMed 27532257 (cited by 3 submitters); PubMed 37652022 (cited by Labcorp Genetics (formerly Invitae), Labcorp); PubMed 30623132 (cited by 3 submitters); PubMed 36902340 (cited by Ambry Genetics); PubMed 28606303 (cited by Women's Health and Genetics/Laboratory Corporation of America, LabCorp).

NM_000257.4(MYH7):c.2543A>G (p.Glu848Gly)

Genes: MYH7 (myosin heavy chain 7; minus strand), LOC126861898 (BRD4-independent group 4 enhancer GRCh37_chr14:23893609-23894808; plus strand). Cytogenetic location: 14q11.2.
Variant type: single nucleotide variant.
Coding change: c.2543A>G on transcript NM_000257.4 (MANE Select); coding-DNA position 2543, A replaced by G.
Protein change: p.Glu848Gly; replaces glutamic acid 848 with glycine.
Molecular consequence: missense variant.
Genome position (GRCh38, 1-based): chr14:23,424,905, T>C on the plus strand (A>G on the coding strand, the complement: MYH7 is on the minus strand). VCF-style: chr14-23424905-T-C. GRCh37 (hg19) VCF-style: chr14-23894114-T-C.
Other names: p.E848G:GAG>GGG; short protein forms E848G.
Identifiers: ClinVar variation 177758 (VCV000177758.14), dbSNP rs727504311, ClinGen allele CA012584.